The following is an entry in ClinVar:

NM_014989.7(RIMS1):c.3845A>G (p.Glu1282Gly)

Gene: RIMS1 (regulating synaptic membrane exocytosis 1; plus strand). Cytogenetic location: 6q13.
Variant type: single nucleotide variant.
Coding change: c.3845A>G on transcript NM_014989.7 (MANE Select); coding-DNA position 3845, A replaced by G.
Protein change: p.Glu1282Gly; replaces glutamic acid 1282 with glycine.
Molecular consequence: missense variant.
Genome position (GRCh38, 1-based): chr6:72,292,041, A>G. VCF-style: chr6-72292041-A-G. GRCh37 (hg19) VCF-style: chr6-73001744-A-G.
Other names: c.1805A>G, p.Glu602Gly (NM_001168407.2, NM_001350422.2); c.1736A>G, p.Glu579Gly (NM_001168408.2, NM_001350414.2, NM_001350430.2 and 2 more transcripts); c.1565A>G, p.Glu522Gly (NM_001168409.2, NM_001350469.2); c.1763A>G, p.Glu588Gly (NM_001168410.2); c.1889A>G, p.Glu630Gly (NM_001350415.2, NM_001350445.2); c.1808A>G, p.Glu603Gly (NM_001350416.2, NM_001350417.2, NM_001350448.2); c.1811A>G, p.Glu604Gly (NM_001350418.2); c.1580A>G, p.Glu527Gly (NM_001350419.2, NM_001350423.2, NM_001350444.2); and 31 more; short protein forms E498G, E513G, E564G, E588G, E590G, E630G, E631G, E634G.
Identifiers: ClinVar variation 1364833 (VCV001364833.6), dbSNP rs2154252461, ClinGen allele CA364689751.
Genomic context (GRCh38, chr6:72,292,041, plus strand): 5'-CGTTCAGCAGTCGCAGGGGAAGACAGCTCCCACAAGTGCCAGTGAGAAGCGGCAGTATAG[A>G]ACAAGGTATCCGATAAAGAGAGATCATTGTCCAAAAATCTTGGATTTGAGAACCTCCTCT-3'
Protein context (NP_055804.2, residues 1272-1292): PQVPVRSGSI[Glu1282Gly]QASLVVEERT

ClinVar aggregate classification (germline): Uncertain significance (1 of 4 stars; one submission).

gnomAD v4.1: 1 of 1,550,860 alleles (0.000064%); highest among the groups gnomAD compares: Admixed American, 0.002%; no homozygotes.

Submission:

Labcorp Genetics (formerly Invitae), Labcorp
Classification: Uncertain significance. Last evaluated: 2022-05-14. Review status: criteria provided, single submitter. Criteria: Invitae Variant Classification Sherloc (09022015). Collection method: clinical testing. Allele origin: germline.
Comment: In summary, the available evidence is currently insufficient to determine the role of this variant in disease. Therefore, it has been classified as a Variant of Uncertain Significance. Algorithms developed to predict the effect of missense changes on protein structure and function (SIFT, PolyPhen-2, Align-GVGD) all suggest that this variant is likely to be disruptive. This variant has not been reported in the literature in individuals affected with RIMS1-related conditions. This variant is not present in population databases (gnomAD no frequency). This sequence change replaces glutamic acid, which is acidic and polar, with glycine, which is neutral and non-polar, at codon 1282 of the RIMS1 protein (p.Glu1282Gly).